The following is an entry in ClinVar:

ClinVar aggregate classification (germline): Uncertain significance. Review status: criteria provided, multiple submitters, no conflicts (2 of 4 stars). 3 submissions from 3 submitters: Uncertain significance (3). Last evaluated 2023-09-08.

Conditions:
PIEZO1-related disorder. Also called: PIEZO1-related condition; PIEZO1-Related Disorders.

Submissions (3):

PreventionGenetics, part of Exact Sciences
Classification: Uncertain significance for PIEZO1-related condition. Last evaluated: 2023-09-08. Review status: criteria provided, single submitter. Criteria: ACMG Guidelines, 2015. Collection method: clinical testing. Allele origin: germline.
Comment: The PIEZO1 c.7380C>G variant is predicted to result in the amino acid substitution p.Ser2460Arg. To our knowledge, this variant has not been reported in the literature or in a large population database, indicating this variant is rare. At this time, the clinical significance of this variant is uncertain due to the absence of conclusive functional and genetic evidence.

Revvity Omics, Revvity
Classification: Uncertain significance. Last evaluated: 2023-09-01. Review status: criteria provided, single submitter. Criteria: ACMG Guidelines, 2015. Collection method: clinical testing. Allele origin: germline.

Centre of Medical Genetics, University Hospital Muenster
Classification: Uncertain significance. Last evaluated: 2022-03-29. Review status: criteria provided, single submitter. Criteria: ACMG Guidelines, 2015. Collection method: clinical testing. Allele origin: unknown. Affected: yes. Observed: 1 variant allele, 1 heterozygote.
Comment: ACMG categories: PM2,PP3

NM_001142864.4(PIEZO1):c.7380C>G (p.Ser2460Arg)

Gene: PIEZO1 (piezo type mechanosensitive ion channel component 1 (Er blood group); minus strand). Cytogenetic location: 16q24.3.
Variant type: single nucleotide variant.
Coding change: c.7380C>G on transcript NM_001142864.4 (MANE Select); coding-DNA position 7380, C replaced by G.
Protein change: p.Ser2460Arg; replaces serine 2460 with arginine.
Molecular consequence: missense variant.
Genome position (GRCh38, 1-based): chr16:88,715,791, G>C on the plus strand (C>G on the coding strand, the complement: PIEZO1 is on the minus strand). VCF-style: chr16-88715791-G-C. GRCh37 (hg19) VCF-style: chr16-88782199-G-C.
Other names: c.7380C>G (NM_001142864.3); short protein forms S2460R.
Identifiers: ClinVar variation 1676780 (VCV001676780.5), dbSNP rs1191735185, ClinGen allele CA397071413.